The following is an entry in ClinVar:

ClinVar aggregate classification (germline): Likely pathogenic. Review status: criteria provided, multiple submitters, no conflicts (2 of 4 stars). 2 submissions from 2 submitters: Likely pathogenic (2). Last evaluated 2026-06-01.

Conditions:
Cardiovascular phenotype. Identifiers: MedGen CN230736.
Hereditary cancer-predisposing syndrome. Also called: Hereditary neoplastic syndrome; Hereditary Cancer Syndrome; Neoplastic Syndromes, Hereditary; Tumor predisposition. Identifiers: Orphanet 140162, MedGen C0027672, MeSH D009386, MONDO:0015356.
LZTR1-related schwannomatosis. Also called: Schwannomatosis 2; Schwannomatosis-2, susceptibility to. Identifiers: Orphanet 93921, MedGen C3810283, MONDO:0014299, OMIM 615670.

Submissions (2):

Ambry Genetics
Classification: Likely pathogenic for Cardiovascular phenotype; Hereditary cancer-predisposing syndrome. Last evaluated: 2026-06-01. Review status: criteria provided, single submitter. Criteria: Ambry Variant Classification Scheme 2023. Collection method: clinical testing. Allele origin: germline.
Comment: The c.321-1G>C intronic variant results from a G to C substitution one nucleotide upstream from coding exon 4 of the LZTR1 gene. This nucleotide position is highly conserved in available vertebrate species. In silico splice site analysis predicts that this alteration will weaken the native splice acceptor site. RNA studies have demonstrated that this alteration results in abnormal splicing in the set of samples tested (Ambry internal data). Another alteration impacting the same acceptor site (c.321-2delA) has been shown to have a similar impact on splicing and detected in multiple individuals with schwannomatosis (Hutter S et al. Acta Neuropathol, 2014 Sep;128:449-52; Ambry internal data). Loss-of-function variants in LZTR1 are related to an increased risk for schwannomas and autosomal recessive Noonan syndrome; however, such associations with autosomal dominant Noonan syndrome have not been observed (Piotrowski A et al. Nat Genet. 2014 Feb;46:182-7; Yamamoto GL et al. J Med Genet. 2015 Jun;52:413-21; Johnston JJ et al. Genet Med. 2018 10;20:1175-1185). Based on the supporting evidence, this variant is likely pathogenic for an increased risk of LZTR1-related schwannomatosis (SWN) and would be expected to cause autosomal recessive Noonan syndrome when present along with a second pathogenic or likely pathogenic variant on the other allele.

Juno Genomics, Hangzhou Juno Genomics, Inc
Classification: Likely pathogenic for LZTR1-related schwannomatosis. Review status: criteria provided, single submitter. Criteria: ACMG Guidelines, 2015. Collection method: clinical testing. Allele origin: germline.
Comment: Null variant in a gene where loss of function (LOF) is a known mechanism of disease.;Absent from controls (or at extremely low frequency if recessive) in Genome Aggregation Database.

Literature cited by the submitters: PubMed 25008767 (cited by Ambry Genetics).

NM_006767.4(LZTR1):c.321-1G>C

Gene: LZTR1 (leucine zipper like post translational regulator 1; plus strand). Cytogenetic location: 22q11.21.
Variant type: single nucleotide variant.
Coding change: c.321-1G>C on transcript NM_006767.4 (MANE Select); the canonical splice acceptor site of the intron before coding-DNA position 321, G replaced by C.
Molecular consequence: splice acceptor variant.
Genome position (GRCh38, 1-based): chr22:20,987,503, G>C. VCF-style: chr22-20987503-G-C. GRCh37 (hg19) VCF-style: chr22-21341792-G-C.
Identifiers: ClinVar variation 3541495 (VCV003541495.4).